The following is an entry in ClinVar:

ClinVar aggregate classification (germline): Uncertain significance (1 of 4 stars; one submission).

Submission:

Labcorp Genetics (formerly Invitae), Labcorp
Classification: Uncertain significance. Last evaluated: 2023-06-06. Review status: criteria provided, single submitter. Criteria: Invitae Variant Classification Sherloc (09022015). Collection method: clinical testing. Allele origin: germline.
Comment: In summary, the available evidence is currently insufficient to determine the role of this variant in disease. Therefore, it has been classified as a Variant of Uncertain Significance. Advanced modeling of protein sequence and biophysical properties (such as structural, functional, and spatial information, amino acid conservation, physicochemical variation, residue mobility, and thermodynamic stability) performed at Invitae indicates that this missense variant is not expected to disrupt CSF2RB protein function. This variant has not been reported in the literature in individuals affected with CSF2RB-related conditions. This variant is not present in population databases (gnomAD no frequency). This sequence change replaces serine, which is neutral and polar, with asparagine, which is neutral and polar, at codon 102 of the CSF2RB protein (p.Ser102Asn).

NM_000395.3(CSF2RB):c.305G>A (p.Ser102Asn)

Genes: CSF2RB (colony stimulating factor 2 receptor subunit beta; plus strand), LOC126863140 (BRD4-independent group 4 enhancer GRCh37_chr22:37321546-37322745; plus strand). Cytogenetic location: 22q12.3.
Variant type: single nucleotide variant.
Coding change: c.305G>A on transcript NM_000395.3 (MANE Select); coding-DNA position 305, G replaced by A.
Protein change: p.Ser102Asn; replaces serine 102 with asparagine.
Molecular consequence: missense variant.
Genome position (GRCh38, 1-based): chr22:36,926,091, G>A. VCF-style: chr22-36926091-G-A. GRCh37 (hg19) VCF-style: chr22-37322133-G-A.
Other names: c.305G>A, p.Ser102Asn (NM_001410827.1); short protein forms S102N.
Identifiers: ClinVar variation 2887829 (VCV002887829.3), dbSNP rs1314905902, ClinGen allele CA411403661.